The following is an entry in ClinVar:

NM_004168.4(SDHA):c.837G>C (p.Met279Ile)

Gene: SDHA (succinate dehydrogenase complex flavoprotein subunit A; plus strand). Cytogenetic location: 5p15.33.
Variant type: single nucleotide variant.
Coding change: c.837G>C on transcript NM_004168.4 (MANE Select); coding-DNA position 837, G replaced by C.
Protein change: p.Met279Ile; replaces methionine 279 with isoleucine.
Molecular consequence: missense variant.
Genome position (GRCh38, 1-based): chr5:230,942, G>C. VCF-style: chr5-230942-G-C. GRCh37 (hg19) VCF-style: chr5-231057-G-C.
Other names: c.693G>C, p.Met231Ile (NM_001294332.2); c.837G>C, p.Met279Ile (NM_001330758.2); short protein forms M231I, M279I.
Identifiers: ClinVar variation 1928557 (VCV001928557.5), dbSNP rs746145822, ClinGen allele CA359011767.
Genomic context (GRCh38, chr5:230,942, plus strand): 5'-CGGGCGCACCTACTTCAGCTGCACGTCTGCCCACACCAGCACTGGCGACGGCACGGCCAT[G>C]ATCACCAGGGCAGGCCTTCCTTGCCAGGACCTAGAGTTTGTTCAGTTCCACCCTACAGGT-3'
Protein context (NP_004159.2, residues 269-289): AHTSTGDGTA[Met279Ile]ITRAGLPCQD

ClinVar aggregate classification (germline): Uncertain significance (1 of 4 stars; one submission).

Conditions:
Mitochondrial complex II deficiency, nuclear type 1. Also called: SUCCINATE CoQ REDUCTASE DEFICIENCY. Identifiers: Orphanet 3208, MedGen C5700310, MONDO:0100294, OMIM 252011.
Pheochromocytoma/paraganglioma syndrome 5. Also called: Paragangliomas 5; SDHA-Related Hereditary Paraganglioma-Pheochromocytoma Syndrome. Identifiers: Orphanet 29072, MedGen C3279992, MONDO:0013602, OMIM 614165.

gnomAD v4.1: 1 of 1,614,038 alleles (0.000062%); highest among the groups gnomAD compares: Non-Finnish European, 0.000085%; no homozygotes.

Submission:

Labcorp Genetics (formerly Invitae), Labcorp
Classification: Uncertain significance for Pheochromocytoma/paraganglioma syndrome 5; Mitochondrial complex II deficiency, nuclear type 1. Last evaluated: 2025-07-30. Review status: criteria provided, single submitter. Criteria: Invitae Variant Classification Sherloc (09022015). Collection method: clinical testing. Allele origin: germline.
Comment: This sequence change replaces methionine, which is neutral and non-polar, with isoleucine, which is neutral and non-polar, at codon 279 of the SDHA protein (p.Met279Ile). This variant is not present in population databases (gnomAD no frequency). This variant has not been reported in the literature in individuals affected with SDHA-related conditions. ClinVar contains an entry for this variant (Variation ID: 1928557). Invitae Evidence Modeling of protein sequence and biophysical properties (such as structural, functional, and spatial information, amino acid conservation, physicochemical variation, residue mobility, and thermodynamic stability) indicates that this missense variant is not expected to disrupt SDHA protein function with a negative predictive value of 95%. In summary, the available evidence is currently insufficient to determine the role of this variant in disease. Therefore, it has been classified as a Variant of Uncertain Significance.